The following is an entry in ClinVar:

ClinVar aggregate classification (germline): Conflicting classifications of pathogenicity. Review status: no assertion criteria provided (0 of 4 stars). 2 submissions from 2 submitters: Likely pathogenic (1); Uncertain significance (1). Last evaluated 2023-12-14.

Conditions:
Intellectual developmental disorder, autosomal dominant 64. Also called: MENTAL RETARDATION, AUTOSOMAL DOMINANT 64. Identifiers: MedGen C5543067, MONDO:0030934, OMIM 619188.
Neurodevelopmental disorder. Identifiers: MedGen C1535926, MeSH D065886, MONDO:0700092.

Allele frequency attached by ClinVar (database versions not stated): TOPMed below 0.00001; gnomAD 0.00001; gnomAD exomes below 0.00001.
gnomAD v4.1: 2 of 1,613,734 alleles (0.00012%); highest among the groups gnomAD compares: African/African-American, 0.0013%; no homozygotes.

Submissions (2):

Undiagnosed Diseases Network, NIH
Classification: Likely pathogenic for Intellectual developmental disorder, autosomal dominant 64. Last evaluated: 2023-12-14. Review status: no assertion criteria provided. Collection method: clinical testing. Allele origin: de novo. Affected: yes. Observed: 2 variant alleles, 2 heterozygotes. Clinical features observed: Small for gestational age (HP:0001518), Premature birth (HP:0001622), Abnormal delivery (HP:0001787), Birth length less than 3rd percentile (HP:0003561), Premature birth following premature rupture of fetal membranes (HP:0005100), Twin-to-twin transfusion (HP:0031110), Progressive microcephaly (HP:0000253), Agitation (HP:0000713), Seizure (HP:0001250), Global developmental delay (HP:0001263), Cerebellar hypoplasia (HP:0001321), Abnormality of the lung (HP:0002088), and 16 more. Study: Undiagnosed Diseases Network (NIH), UDN.

University of Washington Center for Mendelian Genomics, University of Washington
Classification: Uncertain significance for Neurodevelopmental disorder. Review status: no assertion criteria provided. Collection method: research. Allele origin: de novo. Affected: yes. Observed: 2 variant alleles.

Literature cited by the submitters: PubMed 31723249 (cited by University of Washington Center for Mendelian Genomics, University of Washington).

NM_015021.3(ZNF292):c.1408A>G (p.Ile470Val)

Gene: ZNF292 (zinc finger protein 292; plus strand). Cytogenetic location: 6q14.3.
Variant type: single nucleotide variant.
Coding change: c.1408A>G on transcript NM_015021.3 (MANE Select); coding-DNA position 1408, A replaced by G.
Protein change: p.Ile470Val; replaces isoleucine 470 with valine.
Molecular consequence: missense variant.
Genome position (GRCh38, 1-based): chr6:87,255,037, A>G. VCF-style: chr6-87255037-A-G. GRCh37 (hg19) VCF-style: chr6-87964755-A-G.
Other names: p.I470V; c.988A>G, p.Ile330Val (NM_001351444.2); short protein forms I470V, I330V.
Identifiers: ClinVar variation 585155 (VCV000585155.4), dbSNP rs1166797338, ClinGen allele CA364908989.